The following is an entry in ClinVar:

NM_018699.4(PRDM5):c.248G>A (p.Arg83His)

Gene: PRDM5 (PR/SET domain 5; minus strand). Cytogenetic location: 4q27.
Variant type: single nucleotide variant.
Coding change: c.248G>A on transcript NM_018699.4 (MANE Select); coding-DNA position 248, G replaced by A.
Protein change: p.Arg83His; replaces arginine 83 with histidine.
Molecular consequence: missense variant.
Genome position (GRCh38, 1-based): chr4:120,853,470, C>T on the plus strand (G>A on the coding strand, the complement: PRDM5 is on the minus strand). VCF-style: chr4-120853470-C-T. GRCh37 (hg19) VCF-style: chr4-121774625-C-T.
Other names: p.Arg83His; c.248G>A, p.Arg83His (NM_001300823.2, NM_001300824.2, NM_001379104.1 and 1 more transcripts); c.248G>A (NM_018699.3); short protein forms R83H.
Identifiers: ClinVar variation 449806 (VCV000449806.14), dbSNP rs201945549, ClinGen allele CA3061447.
Genomic context (GRCh38, chr4:120,853,470, plus strand): 5'-AAGCTCACTTGAATGGCAGCCAAGTTCTTCTGCTCCTGAGATGGTGCCTCATGAACGAAG[C>T]GAAGCCAGTTGGAGTGCCGTGGGTTGGTAGCATCCAAAATGTACAAAACTTCTCCCTTAC-3'
Protein context (NP_061169.2, residues 73-93): ATNPRHSNWL[Arg83His]FVHEAPSQEQ

ClinVar aggregate classification (germline): Conflicting classifications of pathogenicity. Review status: criteria provided, conflicting classifications (1 of 4 stars). 7 submissions from 7 submitters: Likely pathogenic (1); Uncertain significance (6). Last evaluated 2025-10-26.

Conditions:
Cardiovascular phenotype. Identifiers: MedGen CN230736.
Brittle cornea syndrome 2 (BCS2). Identifiers: Orphanet 90354, MedGen C3280011, MONDO:0013605, OMIM 614170.

Allele frequency attached by ClinVar (database versions not stated): ExAC 0.00002; gnomAD exomes 0.00004 and 0.00012; gnomAD 0.00012 and 0.00013; TOPMed 0.00012; ESP Exome Variant Server 0.00015; 1000 Genomes Project 30x 0.00016; 1000 Genomes Project 0.00020.
gnomAD v4.1: 198 of 1,613,734 alleles (0.012%); highest among the groups gnomAD compares: Non-Finnish European, 0.016%; no homozygotes.

Submissions (7):

Victorian Clinical Genetics Services, Murdoch Childrens Research Institute
Classification: Likely pathogenic for Brittle cornea syndrome 2. Last evaluated: 2025-10-26. Review status: criteria provided, single submitter. Criteria: ACMG Guidelines, 2015. Collection method: clinical testing. Allele origin: germline. Affected: yes.
Comment: This variant is classified as Likely pathogenic. Evidence in support of pathogenic classification: Variant is present in gnomAD <0.01 for a recessive condition (v4: 198 heterozygote(s), 0 homozygote(s)); Another missense variant(s) comparable to the one identified in this case has moderate previous evidence for pathogenicity. p.(Arg83Cys) has been classified as pathogenic, likely pathogenic and VUS by clinical laboratories in ClinVar. It has also been reported in the literature as homozygous in individuals with brittle cornea syndrome (PMIDs: 37710225, 33739556); Heterozygous variant detected in trans with a second PATHOGENIC heterozygous variant (NM_018699.4(PRDM5):c.1138_1140delinsTA; p.(Leu380Tyrfs*45)) in a recessive disease. Additional information: Variant is predicted to result in a missense amino acid change from arginine to histidine; This variant is heterozygous; This gene is associated with autosomal recessive disease; Alternative amino acid change(s) at the same position are present in gnomAD (Highest alelle count: v4: 25 heterozygote(s), 0 homozygote(s)); Previous evidence of pathogenicity for this variant is inconclusive. This variant has been classified as a VUS by multiple clinical laboratories in ClinVar. It has also been reported in the literature in an individual with aortic aneurysmal disease (PMID: 37629506); No published segregation evidence has been identified for this variant; No published functional evidence has been identified for this variant; Variant is located in the annotated PR domain zinc finger protein 2, PR domain (DECIPHER); Missense variant with inconclusive in silico prediction and uninformative conservation; Loss of function is a known mechanism of disease in this gene and is associated with brittle cornea syndrome 2 (MIM#614170).

Women's Health and Genetics/Laboratory Corporation of America, LabCorp
Classification: Uncertain significance. Last evaluated: 2025-10-10. Review status: criteria provided, single submitter. Criteria: LabCorp Variant Classification Summary - May 2015. Collection method: clinical testing. Allele origin: germline.
Comment: Variant summary: PRDM5 c.248G>A (p.Arg83His) results in a non-conservative amino acid change in the encoded protein sequence. Algorithms developed to predict the effect of missense changes on protein structure and function all suggest that this variant is likely to be disruptive. The variant allele was found at a frequency of 4e-05 in 251282 control chromosomes (gnomAD). This frequency is not significantly higher than estimated for disease-causing variants in PRDM5, allowing no conclusion about variant significance. c.248G>A has been observed in one individual affected with Thoracic aortic aneurysms (Moore_2023). The report does not provide unequivocal conclusions about association of the variant with Brittle cornea syndrome 2. A different variant affecting the same codon has been classified as likely pathogenic by our lab (c.247C>T, p.Arg83Cys), supporting the critical relevance of codon 83 to PRDM5 protein function. To our knowledge, no experimental evidence demonstrating an impact on protein function has been reported. The following publication have been ascertained in the context of this evaluation (PMID: 37629506). ClinVar contains an entry for this variant (Variation ID: 449806). Based on the evidence outlined above, the variant was classified as uncertain significance.

Ambry Genetics
Classification: Uncertain significance for Cardiovascular phenotype. Last evaluated: 2024-10-28. Review status: criteria provided, single submitter. Criteria: Ambry Variant Classification Scheme 2023. Collection method: clinical testing. Allele origin: germline.
Comment: The p.R83H variant (also known as c.248G>A), located in coding exon 3 of the PRDM5 gene, results from a G to A substitution at nucleotide position 248. The arginine at codon 83 is replaced by histidine, an amino acid with highly similar properties. This amino acid position is highly conserved in available vertebrate species. In addition, this alteration is predicted to be deleterious by in silico analysis. Based on the available evidence, the clinical significance of this variant remains unclear.

Mayo Clinic Laboratories, Mayo Clinic
Classification: Uncertain significance. Last evaluated: 2023-12-21. Review status: criteria provided, single submitter. Criteria: ACMG Guidelines, 2015. Collection method: clinical testing. Allele origin: germline. Observed: 2 variant alleles.

Labcorp Genetics (formerly Invitae), Labcorp
Classification: Uncertain significance. Last evaluated: 2022-07-30. Review status: criteria provided, single submitter. Criteria: Invitae Variant Classification Sherloc (09022015). Collection method: clinical testing. Allele origin: germline.
Comment: This sequence change replaces arginine, which is basic and polar, with histidine, which is basic and polar, at codon 83 of the PRDM5 protein (p.Arg83His). This variant is present in population databases (rs201945549, gnomAD 0.006%). This variant has not been reported in the literature in individuals affected with PRDM5-related conditions. ClinVar contains an entry for this variant (Variation ID: 449806). Algorithms developed to predict the effect of missense changes on protein structure and function (SIFT, PolyPhen-2, Align-GVGD) all suggest that this variant is likely to be disruptive. In summary, the available evidence is currently insufficient to determine the role of this variant in disease. Therefore, it has been classified as a Variant of Uncertain Significance.

Fulgent Genetics
Classification: Uncertain significance for Brittle cornea syndrome 2. Last evaluated: 2022-05-12. Review status: criteria provided, single submitter. Criteria: ACMG Guidelines, 2015. Collection method: clinical testing. Allele origin: unknown.

GeneDx
Classification: Uncertain significance. Last evaluated: 2018-12-31. Review status: criteria provided, single submitter. Criteria: GeneDx Variant Classification (06012015). Collection method: clinical testing. Allele origin: germline. Affected: yes.
Comment: The R83H variant of uncertain significance in the PRDM5 gene has not been published as a pathogenic variant, nor has it been reported as a benign variant to our knowledge. However, this variant has also been identified in conjunction with additional cardiogenetic variants in individuals referred for connective tissue disorder genetic testing at GeneDx. So far, segregation data is absent for these individuals. The R83H variant is observed in 8/126550 (0.01%) alleles from individuals of European (Non-Finnish) ancestry in large population cohorts (Lek et al., 2016). This substitution occurs at a position that is conserved across species, and in silico analysis predicts this variant is probably damaging to the protein structure/function. However, R83H is a conservative amino acid substitution, which is not likely to impact secondary protein structure as these residues share similar properties. Additionally, although a missense variant in the same residue in the PRDM5 gene (R83C) has been reported in the Human Gene Mutation Database in association with brittle cornea syndrome (Stenson et al., 2014), the pathogenicity of this variant has not been definitively determined.

Literature cited by the submitters: PubMed 37710225 (cited by Victorian Clinical Genetics Services, Murdoch Childrens Research Institute); PubMed 33739556 (cited by Victorian Clinical Genetics Services, Murdoch Childrens Research Institute and Mayo Clinic Laboratories, Mayo Clinic); PubMed 37629506 (cited by Victorian Clinical Genetics Services, Murdoch Childrens Research Institute and Women's Health and Genetics/Laboratory Corporation of America, LabCorp); PubMed 26395458 (cited by Mayo Clinic Laboratories, Mayo Clinic).